The following is an entry in ClinVar:

NM_018406.7(MUC4):c.9612C>T (p.Thr3204=)

Gene: MUC4 (mucin 4, cell surface associated). Cytogenetic location: 3q29.
Variant type: single nucleotide variant.
Coding change: c.9612C>T on transcript NM_018406.7 (MANE Select); coding-DNA position 9612, C replaced by T.
Protein change: p.Thr3204=; no amino-acid change (threonine 3204 retained).
Molecular consequence: synonymous variant. On other transcripts: intron variant (2).
Genome position (GRCh38, 1-based): chr3:195,781,968, G>A on the plus strand (C>T on the coding strand, the complement: MUC4 is on the minus strand). VCF-style: chr3-195781968-G-A. GRCh37 (hg19) VCF-style: chr3-195508839-G-A.
Other names: c.83-7663C>T (NM_138297.5); c.83-3513C>T (NM_004532.6).
Identifiers: ClinVar variation 4084510 (VCV004084510.8).
Genomic context (GRCh38, chr3:195,781,968, plus strand): 5'-TGAGGAAAGGCTGGTGACAGGAAGAGGGGTGGCCTGACCTGTGGATGCTGAGGAAGCGTC[G>A]GTGACAAGAAGAGGAGTGGCGTGACCTGTGGATGCTGAGGAAGGGCTAGTGACAGGAAGA-3'
Protein context (NP_060876.5, residues 3194-3214): STGHATPLLV[Thr3204=]DASSASTGQA

ClinVar aggregate classification (germline): Likely benign (1 of 4 stars; one submission).

Submission:

CeGaT Center for Human Genetics Tuebingen
Classification: Likely benign. Last evaluated: 2025-07-01. Review status: criteria provided, single submitter. Criteria: CeGaT Center For Human Genetics Tuebingen Variant Classification Criteria Version 2. Collection method: clinical testing. Allele origin: germline. Affected: yes. Observed: 1 variant allele.
Comment: MUC4: BP4, BP7